The following is an entry in ClinVar:

NM_015378.4(VPS13D):c.8488A>G (p.Ile2830Val)

Gene: VPS13D (vacuolar protein sorting 13 homolog D; plus strand). Cytogenetic location: 1p36.22.
Variant type: single nucleotide variant.
Coding change: c.8488A>G on transcript NM_015378.4 (MANE Select); coding-DNA position 8488, A replaced by G.
Protein change: p.Ile2830Val; replaces isoleucine 2830 with valine.
Molecular consequence: missense variant.
Genome position (GRCh38, 1-based): chr1:12,335,764, A>G. VCF-style: chr1-12335764-A-G. GRCh37 (hg19) VCF-style: chr1-12395821-A-G.
Other names: c.8488A>G (NM_015378.2); c.8488A>G, p.Ile2830Val (NM_018156.4); short protein forms I2830V.
Identifiers: ClinVar variation 2078652 (VCV002078652.5), dbSNP rs200758340, ClinGen allele CA603132.
Genomic context (GRCh38, chr1:12,335,764, plus strand): 5'-GACCAGTATGTAAGTACCAAGGAATCGTGGATGGCAGATTACTGTAAAGATGACAAGGAC[A>G]TAGAGTCAGCTAAATCAGAAGACTGGATGGGCTCTTCGGTGGATCCTCCATGTTTTGGAC-3'
Protein context (NP_056193.2, residues 2820-2840): MADYCKDDKD[Ile2830Val]ESAKSEDWMG

ClinVar aggregate classification (germline): Uncertain significance. Review status: criteria provided, multiple submitters, no conflicts (2 of 4 stars). 2 submissions from 2 submitters: Uncertain significance (2). Last evaluated 2024-08-05.

Conditions:
Inborn genetic diseases. Identifiers: MedGen C0950123, MeSH D030342.

Allele frequency attached by ClinVar (database versions not stated): ExAC 0.00003; TOPMed 0.00004; gnomAD 0.00007; ESP Exome Variant Server 0.00008; 1000 Genomes Project 30x 0.00016; 1000 Genomes Project 0.00020.
gnomAD v4.1: 17 of 1,614,214 alleles (0.0011%); highest among the groups gnomAD compares: African/African-American, 0.017%; no homozygotes.

Submissions (2):

Ambry Genetics
Classification: Uncertain significance for Inborn genetic diseases. Last evaluated: 2024-08-05. Review status: criteria provided, single submitter. Criteria: Ambry Variant Classification Scheme 2023. Collection method: clinical testing. Allele origin: germline.

Labcorp Genetics (formerly Invitae), Labcorp
Classification: Uncertain significance. Last evaluated: 2022-06-29. Review status: criteria provided, single submitter. Criteria: Invitae Variant Classification Sherloc (09022015). Collection method: clinical testing. Allele origin: germline.
Comment: This sequence change replaces isoleucine, which is neutral and non-polar, with valine, which is neutral and non-polar, at codon 2830 of the VPS13D protein (p.Ile2830Val). In summary, the available evidence is currently insufficient to determine the role of this variant in disease. Therefore, it has been classified as a Variant of Uncertain Significance. Algorithms developed to predict the effect of missense changes on protein structure and function output the following: SIFT: "Tolerated"; PolyPhen-2: "Benign"; Align-GVGD: "Class C0". The valine amino acid residue is found in multiple mammalian species, which suggests that this missense change does not adversely affect protein function. This variant has not been reported in the literature in individuals affected with VPS13D-related conditions. This variant is present in population databases (rs200758340, gnomAD 0.03%).